The following is an entry in ClinVar:

GRCh37/hg19 3q29(chr3:195914129-196804639)x1

Genes: CEP19 (centrosomal protein 19; minus strand), DLG1 (discs large MAGUK scaffold protein 1; minus strand), DYNLT2B (dynein light chain Tctex-type 2B; minus strand), FBXO45 (F-box protein 45; plus strand), MELTF (melanotransferrin; minus strand) and 14 more. Cytogenetic location: 3q29.
Variant type: copy number loss.
Change: copy number 1 (one copy instead of two) of chr3:195,914,129-196,804,639 (890.5 kb, GRCh37 coordinates, 1-based), cytogenetic band 3q29.
Identifiers: ClinVar variation 1340723 (VCV001340723.1).

ClinVar aggregate classification (germline): Pathogenic (0 of 4 stars; one submission).

Submission:

Quest Diagnostics Nichols Institute San Juan Capistrano
Classification: Pathogenic. Last evaluated: 2021-01-20. Review status: no assertion criteria provided. Collection method: clinical testing. Allele origin: germline.
Comment: The genomic loss is expected to cause chromosome 3q29 microdeletion syndrome (OMIM #609425). The clinical phenotype is variable, but it may include mild to moderate intellectual disability, dysmorphic facial features (long and narrow face, short philtrum, and high nasal bridge), microcephaly, autism, and speech delay. Gait ataxia, chest-wall deformity, and long and tapering fingers were noted in at least two of six patients (Willatt, et al., Am J Hum Genet. 2005 Jul;77(1):154-60, PMID: 15918153 ; Ballif, et al., Mol Cytogenet. 2008 Apr 28;1:8, PMID: 18471269; Digilio et al., Am J Med Genet 2009, 149A:1777-1781,PMID:19610115; Li et al., Eur J Med Genet 2009, 52:349-353, PMID:19460468). This deletion may be associated with a higher risk for schizophrenia (Mulle et al., Am J Hum Genet 2010, 87:229-236, PMID:20691406).